The following is an entry in ClinVar:

ClinVar aggregate classification (germline): Uncertain significance (1 of 4 stars; one submission).

Submission:

Mayo Clinic Laboratories, Mayo Clinic
Classification: Uncertain significance. Last evaluated: 2025-07-11. Review status: criteria provided, single submitter. Criteria: ACMG Guidelines, 2015. Collection method: clinical testing. Allele origin: germline. Observed: 1 variant allele.
Comment: PM2_supporting

NM_018006.5(TRMU):c.559A>G (p.Arg187Gly)

Gene: TRMU (tRNA mitochondrial 2-thiouridylase; plus strand). Cytogenetic location: 22q13.31.
Variant type: single nucleotide variant.
Coding change: c.559A>G on transcript NM_018006.5 (MANE Select); coding-DNA position 559, A replaced by G.
Protein change: p.Arg187Gly; replaces arginine 187 with glycine.
Molecular consequence: missense variant. On other transcripts: non-coding transcript variant (2).
Genome position (GRCh38, 1-based): chr22:46,350,371, A>G. VCF-style: chr22-46350371-A-G. GRCh37 (hg19) VCF-style: chr22-46746268-A-G.
Other names: p.Arg187Gly; c.217A>G, p.Arg73Gly (NM_001282782.2); c.139A>G, p.Arg47Gly (NM_001282783.2, NM_001282784.2); c.559A>G, p.Arg187Gly (NM_001282785.2); short protein forms R73G, R187G, R47G.
Identifiers: ClinVar variation 4542460 (VCV004542460.1).